The following is an entry in ClinVar:

ClinVar aggregate classification (germline): Uncertain significance (1 of 4 stars; one submission).

Allele frequency attached by ClinVar (database versions not stated): gnomAD exomes below 0.00001.
gnomAD v4.1: 1 of 1,614,218 alleles (0.000062%); highest among the groups gnomAD compares: East Asian, 0.0022%; no homozygotes.

Submission:

GeneDx
Classification: Uncertain significance. Last evaluated: 2022-06-01. Review status: criteria provided, single submitter. Criteria: GeneDx Variant Classification Process June 2021. Collection method: clinical testing. Allele origin: germline. Affected: yes.
Comment: Not observed at significant frequency in large population cohorts (gnomAD); In silico analysis supports that this missense variant does not alter protein structure/function; Has not been previously published as pathogenic or benign to our knowledge

NM_001197104.2(KMT2A):c.8191A>G (p.Thr2731Ala)

Gene: KMT2A (lysine methyltransferase 2A; plus strand). Cytogenetic location: 11q23.3.
Variant type: single nucleotide variant.
Coding change: c.8191A>G on transcript NM_001197104.2 (MANE Select); coding-DNA position 8191, A replaced by G.
Protein change: p.Thr2731Ala; replaces threonine 2731 with alanine.
Molecular consequence: missense variant.
Genome position (GRCh38, 1-based): chr11:118,504,083, A>G. VCF-style: chr11-118504083-A-G. GRCh37 (hg19) VCF-style: chr11-118374798-A-G.
Other names: c.8281A>G, p.Thr2761Ala (NM_001412597.1); c.8182A>G, p.Thr2728Ala (NM_005933.4); short protein forms T2728A, T2731A, T2761A.
Identifiers: ClinVar variation 1801940 (VCV001801940.1), dbSNP rs1950543717, ClinGen allele CA382809127.